The following is an entry in ClinVar:

ClinVar aggregate classification (germline): Uncertain significance. Review status: criteria provided, multiple submitters, no conflicts (2 of 4 stars). 3 submissions from 3 submitters: Uncertain significance (2). 1 of the submissions does not count toward it. Last evaluated 2023-02-09.

Conditions:
Inborn genetic diseases. Identifiers: MedGen C0950123, MeSH D030342.

Allele frequency attached by ClinVar (database versions not stated): gnomAD exomes below 0.00001; TOPMed below 0.00001.
gnomAD v4.1: 4 of 1,613,656 alleles (0.00025%); highest among the groups gnomAD compares: Admixed American, 0.005%; no homozygotes.

Submissions (3):

GeneDx
Classification: Uncertain significance. Last evaluated: 2023-02-09. Review status: criteria provided, single submitter. Criteria: GeneDx Variant Classification Process June 2021. Collection method: clinical testing. Allele origin: germline. Affected: yes.
Comment: Not observed at significant frequency in large population cohorts (gnomAD); In silico analysis supports that this missense variant has a deleterious effect on protein structure/function; Has not been previously published as pathogenic or benign to our knowledge

Ambry Genetics
Classification: Uncertain significance for Inborn genetic diseases. Last evaluated: 2021-10-05. Review status: criteria provided, single submitter. Criteria: Ambry Variant Classification Scheme 2023. Collection method: clinical testing. Allele origin: germline.

Mayo Clinic Laboratories, Mayo Clinic
Classification: Uncertain significance. Last evaluated: 2017-10-25. Review status: no assertion criteria provided. Collection method: clinical testing. Allele origin: unknown. Not counted in ClinVar's aggregate classification.

NM_001195248.2(APTX):c.548A>G (p.Tyr183Cys)

Gene: APTX (aprataxin; minus strand). Cytogenetic location: 9p21.1.
Variant type: single nucleotide variant.
Coding change: c.548A>G on transcript NM_001195248.2 (MANE Select); coding-DNA position 548, A replaced by G.
Protein change: p.Tyr183Cys; replaces tyrosine 183 with cysteine.
Molecular consequence: missense variant. On other transcripts: non-coding transcript variant (9).
Genome position (GRCh38, 1-based): chr9:32,984,853, T>C on the plus strand (A>G on the coding strand, the complement: APTX is on the minus strand). VCF-style: chr9-32984853-T-C. GRCh37 (hg19) VCF-style: chr9-32984851-T-C.
Other names: c.548A>G, p.Tyr183Cys (NM_001195249.2, NM_001195251.2, NM_001368995.1 and 6 more transcripts); c.386A>G, p.Tyr129Cys (NM_001195250.2, NM_001195254.2, NM_001369000.1 and 1 more transcripts); c.332A>G, p.Tyr111Cys (NM_001195252.2); c.284A>G, p.Tyr95Cys (NM_001369002.1, NM_001369003.1, NM_001369004.1 and 5 more transcripts); short protein forms Y183C, Y111C, Y129C, Y95C.
Identifiers: ClinVar variation 559301 (VCV000559301.8), dbSNP rs1031784368, ClinGen allele CA192400994.
Genomic context (GRCh38, chr9:32,984,853, plus strand): 5'-AGCCAATGGTAACGGGCCTTTGGGTATTTATCCTTTATCACCACCACCTGCTCATCTTTG[T>C]AAACCTAGCAGAGGGATACAAGAGAAGGAAACAGACATCTACTAAGAATCTTCTGTGTGC-3'
Protein context (NP_001182177.2, residues 173-193): ISMQDPKMQV[Tyr183Cys]KDEQVVVIKD